The following is an entry in ClinVar:

ClinVar aggregate classification (germline): Uncertain significance (1 of 4 stars; one submission).

Conditions:
Hereditary nonpolyposis colorectal neoplasms. Identifiers: MedGen C0009405, MeSH D003123.

Submission:

Labcorp Genetics (formerly Invitae), Labcorp
Classification: Uncertain significance for Hereditary nonpolyposis colorectal neoplasms. Last evaluated: 2022-08-05. Review status: criteria provided, single submitter. Criteria: Invitae Variant Classification Sherloc (09022015). Collection method: clinical testing. Allele origin: germline.
Comment: In summary, the available evidence is currently insufficient to determine the role of this variant in disease. Therefore, it has been classified as a Variant of Uncertain Significance. Advanced modeling of protein sequence and biophysical properties (such as structural, functional, and spatial information, amino acid conservation, physicochemical variation, residue mobility, and thermodynamic stability) performed at Invitae indicates that this missense variant is not expected to disrupt PMS2 protein function. This variant has not been reported in the literature in individuals affected with PMS2-related conditions. This variant is not present in population databases (gnomAD no frequency). This sequence change replaces serine, which is neutral and polar, with cysteine, which is neutral and slightly polar, at codon 477 of the PMS2 protein (p.Ser477Cys).

NM_000535.7(PMS2):c.1430C>G (p.Ser477Cys)

Gene: PMS2 (PMS1 homolog 2, mismatch repair system component; minus strand). Cytogenetic location: 7p22.1.
Variant type: single nucleotide variant.
Coding change: c.1430C>G on transcript NM_000535.7 (MANE Select); coding-DNA position 1430, C replaced by G.
Protein change: p.Ser477Cys; replaces serine 477 with cysteine.
Molecular consequence: missense variant. On other transcripts: non-coding transcript variant (1).
Genome position (GRCh38, 1-based): chr7:5,987,335, G>C on the plus strand (C>G on the coding strand, the complement: PMS2 is on the minus strand). VCF-style: chr7-5987335-G-C. GRCh37 (hg19) VCF-style: chr7-6026966-G-C.
Other names: c.1025C>G, p.Ser342Cys (NM_001018040.1, NM_001322003.2, NM_001322004.2 and 17 more transcripts); c.1274C>G, p.Ser425Cys (NM_001322006.2, NM_001406870.1); c.1112C>G, p.Ser371Cys (NM_001322007.2, NM_001322008.2, NM_001406876.1 and 2 more transcripts); c.869C>G, p.Ser290Cys (NM_001322010.2, NM_001406906.1, NM_001406907.1); c.497C>G, p.Ser166Cys (NM_001322011.2, NM_001322012.2); c.857C>G, p.Ser286Cys (NM_001322013.2, NM_001406909.1); c.1430C>G, p.Ser477Cys (NM_001322014.2, NM_001406871.1, NM_001406872.1); c.1121C>G, p.Ser374Cys (NM_001406877.1, NM_001406878.1, NM_001406879.1 and 5 more transcripts); and 12 more; short protein forms S166C, S220C, S286C, S290C, S306C, S319C, S322C, S342C.
Identifiers: ClinVar variation 1715151 (VCV001715151.5), dbSNP rs876661291, ClinGen allele CA366742012.